The following is an entry in ClinVar:

NM_005359.6(SMAD4):c.1371A>G (p.Ala457=)

Gene: SMAD4 (SMAD family member 4; plus strand). Cytogenetic location: 18q21.2.
Variant type: single nucleotide variant.
Coding change: c.1371A>G on transcript NM_005359.6 (MANE Select); coding-DNA position 1371, A replaced by G.
Protein change: p.Ala457=; no amino-acid change (alanine 457 retained).
Molecular consequence: synonymous variant.
Genome position (GRCh38, 1-based): chr18:51,076,700, A>G. VCF-style: chr18-51076700-A-G. GRCh37 (hg19) VCF-style: chr18-48603070-A-G.
Identifiers: ClinVar variation 413440 (VCV000413440.24), dbSNP rs750933193, ClinGen allele CA8966056.

ClinVar aggregate classification (germline): Benign/Likely benign. Review status: criteria provided, multiple submitters, no conflicts (2 of 4 stars). 7 submissions from 7 submitters: Benign (1); Likely benign (6). Last evaluated 2025-11-03.

Conditions:
Hereditary cancer-predisposing syndrome. Also called: Neoplastic Syndromes, Hereditary; Hereditary Cancer Syndrome; Hereditary neoplastic syndrome; Tumor predisposition. Identifiers: Orphanet 140162, MedGen C0027672, MeSH D009386, MONDO:0015356.
Familial thoracic aortic aneurysm and aortic dissection (TAAD). Also called: Thoracic aortic aneurysms and dissections. Identifiers: Orphanet 91387, MedGen C4707243, MONDO:0019625.
Juvenile polyposis syndrome (JPS). Identifiers: Orphanet 2929, MedGen C0345893, MONDO:0017380, OMIM 174900.
Juvenile polyposis/hereditary hemorrhagic telangiectasia syndrome (JPHT). Also called: POLYPOSIS, GENERALIZED JUVENILE, WITH PULMONARY ARTERIOVENOUS MALFORMATION; TELANGIECTASIA, HEREDITARY HEMORRHAGIC, WITH JUVENILE POLYPOSIS COLI; Juvenile Polyposis Syndrome / Hereditary Hemorrhagic Telangiectasia (JPS/HHT); JP/HHT SYNDROME; JUVENILE POLYPOSIS WITH HEREDITARY HEMORRHAGIC TELANGIECTASIA. Identifiers: Orphanet 2929, MedGen C1832942, MONDO:0008278, OMIM 175050.

Allele frequency attached by ClinVar (database versions not stated): gnomAD exomes below 0.00001; TOPMed below 0.00001; ExAC 0.00001; gnomAD 0.00001.
gnomAD v4.1: 8 of 1,612,312 alleles (0.0005%); highest among the groups gnomAD compares: Non-Finnish European, 0.00059%; no homozygotes.

Submissions (7):

Labcorp Genetics (formerly Invitae), Labcorp
Classification: Likely benign for Juvenile polyposis syndrome. Last evaluated: 2025-11-03. Review status: criteria provided, single submitter. Criteria: Invitae Variant Classification Sherloc (09022015). Collection method: clinical testing. Allele origin: germline.

Myriad Genetics, Inc.
Classification: Benign for Juvenile polyposis/hereditary hemorrhagic telangiectasia syndrome. Last evaluated: 2025-03-24. Review status: criteria provided, single submitter. Criteria: Myriad Autosomal Dominant, Autosomal Recessive and X-Linked Classification Criteria (2023). Collection method: clinical testing. Allele origin: unknown.
Comment: This variant is considered benign. This variant is a silent/synonymous amino acid change and it is not expected to impact splicing.

All of Us Research Program, National Institutes of Health
Classification: Likely benign for Juvenile polyposis/hereditary hemorrhagic telangiectasia syndrome. Last evaluated: 2024-04-10. Review status: criteria provided, single submitter. Criteria: ACMG Guidelines, 2015. Collection method: clinical testing. Allele origin: germline. Inheritance: Autosomal dominant inheritance. Observed: 2 variant alleles, 2 heterozygotes.
Comment: This study involves interpretation of variants in research participants for the purpose of population health screening. Participant phenotype was not available at the time of variant classification. Additional details can be found in publication PMID: 35346344, PMCID: PMC8962531

Sema4
Classification: Likely benign for Hereditary cancer-predisposing syndrome. Last evaluated: 2022-02-27. Review status: criteria provided, single submitter. Criteria: Sema4 Curation Guidelines. Collection method: curation. Allele origin: germline.

GeneDx
Classification: Likely benign. Last evaluated: 2021-01-05. Review status: criteria provided, single submitter. Criteria: GeneDx Variant Classification Process June 2021. Collection method: clinical testing. Allele origin: germline. Affected: yes.

Color Diagnostics, LLC DBA Color Health
Classification: Likely benign for Hereditary cancer-predisposing syndrome. Last evaluated: 2017-06-15. Review status: criteria provided, single submitter. Criteria: ACMG Guidelines, 2015. Collection method: clinical testing. Allele origin: germline.

Ambry Genetics
Classification: Likely benign for Hereditary cancer-predisposing syndrome; Familial thoracic aortic aneurysm and aortic dissection. Last evaluated: 2016-06-02. Review status: criteria provided, single submitter. Criteria: Ambry Variant Classification Scheme 2023. Collection method: clinical testing. Allele origin: germline.